The following is an entry in ClinVar:

NM_005592.4(MUSK):c.2208C>G (p.Asn736Lys)

Gene: MUSK (muscle associated receptor tyrosine kinase; plus strand). Cytogenetic location: 9q31.3.
Variant type: single nucleotide variant.
Coding change: c.2208C>G on transcript NM_005592.4 (MANE Select); coding-DNA position 2208, C replaced by G.
Protein change: p.Asn736Lys; replaces asparagine 736 with lysine.
Molecular consequence: missense variant.
Genome position (GRCh38, 1-based): chr9:110,800,586, C>G. VCF-style: chr9-110800586-C-G. GRCh37 (hg19) VCF-style: chr9-113562866-C-G.
Other names: c.1950C>G, p.Asn650Lys (NM_001166280.2); c.1920C>G, p.Asn640Lys (NM_001166281.2); c.948C>G, p.Asn316Lys (NM_001369398.1); short protein forms N736K, N640K, N650K, N316K.
Identifiers: ClinVar variation 642369 (VCV000642369.8), dbSNP rs770373727, ClinGen allele CA5184583.

ClinVar aggregate classification (germline): Uncertain significance. Review status: criteria provided, multiple submitters, no conflicts (2 of 4 stars). 2 submissions from 2 submitters: Uncertain significance (2). Last evaluated 2025-01-14.

Conditions:
Fetal akinesia deformation sequence 1 (FADS1). Also called: Fetal akinesia sequence; Pena-Shokeir syndrome type I. Identifiers: Orphanet 994, MedGen C1276035, MONDO:0100101, OMIM 208150, HP:0001989.
Congenital myasthenic syndrome 9. Also called: Myasthenic syndrome, congenital, 9, associated with acetylcholine receptor deficiency. Identifiers: Orphanet 590, MedGen C4225368, MONDO:0014587, OMIM 616325.

Allele frequency attached by ClinVar (database versions not stated): gnomAD below 0.00001 and 0.00001; gnomAD exomes 0.00002; ExAC 0.00003.
gnomAD v4.1: 21 of 1,613,396 alleles (0.0013%); highest among the groups gnomAD compares: South Asian, 0.023%; no homozygotes.

Submissions (2):

GeneDx
Classification: Uncertain significance. Last evaluated: 2025-01-14. Review status: criteria provided, single submitter. Criteria: GeneDx Variant Classification Process June 2021. Collection method: clinical testing. Allele origin: germline. Affected: yes.
Comment: In silico analysis supports that this missense variant has a deleterious effect on protein structure/function; Has not been previously published as pathogenic or benign to our knowledge; This variant is associated with the following publications: (PMID: 25537362)

Labcorp Genetics (formerly Invitae), Labcorp
Classification: Uncertain significance for Congenital myasthenic syndrome 9; Fetal akinesia deformation sequence 1. Last evaluated: 2022-07-19. Review status: criteria provided, single submitter. Criteria: Invitae Variant Classification Sherloc (09022015). Collection method: clinical testing. Allele origin: germline.
Comment: This sequence change replaces asparagine, which is neutral and polar, with lysine, which is basic and polar, at codon 736 of the MUSK protein (p.Asn736Lys). This variant is present in population databases (rs770373727, gnomAD 0.02%). This variant has not been reported in the literature in individuals affected with MUSK-related conditions. ClinVar contains an entry for this variant (Variation ID: 642369). Advanced modeling of protein sequence and biophysical properties (such as structural, functional, and spatial information, amino acid conservation, physicochemical variation, residue mobility, and thermodynamic stability) performed at Invitae indicates that this missense variant is not expected to disrupt MUSK protein function. In summary, the available evidence is currently insufficient to determine the role of this variant in disease. Therefore, it has been classified as a Variant of Uncertain Significance.